The following is an entry in ClinVar:

ClinVar aggregate classification (germline): Benign/Likely benign. Review status: criteria provided, multiple submitters, no conflicts (2 of 4 stars). 5 submissions from 5 submitters: Benign (2); Likely benign (2). 1 of the submissions does not count toward it. Last evaluated 2026-06-01.

Conditions:
EPRS1-related disorder. Also called: EPRS1-related condition.

Allele frequency attached by ClinVar (database versions not stated): gnomAD exomes 0.00037 and 0.00094; ExAC 0.00115; gnomAD 0.00343 and 0.00377; 1000 Genomes Project 0.00379; TOPMed 0.00384; 1000 Genomes Project 30x 0.00437; ESP Exome Variant Server 0.00492.
gnomAD v4.1: 1,079 of 1,614,024 alleles (0.067%); highest among the groups gnomAD compares: African/African-American, 1.3%; 7 homozygotes.

Submissions (5):

CeGaT Center for Human Genetics Tuebingen
Classification: Likely benign. Last evaluated: 2026-06-01. Review status: criteria provided, single submitter. Criteria: CeGaT Center For Human Genetics Tuebingen Variant Classification Criteria Version 2. Collection method: clinical testing. Allele origin: germline. Affected: yes. Observed: 1 variant allele.
Comment: EPRS1: BP4, BP7, BS1

Labcorp Genetics (formerly Invitae), Labcorp
Classification: Benign. Last evaluated: 2025-10-27. Review status: criteria provided, single submitter. Criteria: Invitae Variant Classification Sherloc (09022015). Collection method: clinical testing. Allele origin: germline.

Blueprint Genetics
Classification: Likely benign. Last evaluated: 2024-10-08. Review status: criteria provided, single submitter. Criteria: ACMG Guidelines, 2015. Collection method: clinical testing. Allele origin: germline.

Breakthrough Genomics
Classification: Benign. Review status: criteria provided, single submitter. Criteria: ACMG Guidelines, 2015. Collection method: not provided. Allele origin: germline. Inheritance: Autosomal recessive inheritance. Affected: yes.

PreventionGenetics, part of Exact Sciences
Classification: Benign for EPRS1-related condition. Last evaluated: 2019-05-20. Review status: no assertion criteria provided. Collection method: clinical testing. Allele origin: germline. Not counted in ClinVar's aggregate classification.
Comment: This variant is classified as benign based on ACMG/AMP sequence variant interpretation guidelines (Richards et al. 2015 PMID: 25741868, with internal and published modifications).

NM_004446.3(EPRS1):c.3334C>T (p.Leu1112=)

Gene: EPRS1 (glutamyl-prolyl-tRNA synthetase 1; minus strand). Cytogenetic location: 1q41.
Variant type: single nucleotide variant.
Coding change: c.3334C>T on transcript NM_004446.3 (MANE Select); coding-DNA position 3334, C replaced by T.
Protein change: p.Leu1112=; no amino-acid change (leucine 1112 retained).
Molecular consequence: synonymous variant.
Genome position (GRCh38, 1-based): chr1:219,982,811, G>A on the plus strand (C>T on the coding strand, the complement: EPRS1 is on the minus strand). VCF-style: chr1-219982811-G-A. GRCh37 (hg19) VCF-style: chr1-220156153-G-A.
Other names: c.3334C>T (NM_004446.2).
Identifiers: ClinVar variation 1680869 (VCV001680869.14), dbSNP rs115412957, ClinGen allele CA1399720.
Genomic context (GRCh38, chr1:219,982,811, plus strand): 5'-CACTCCAATGCCTATTCTCACCTGTTTCACTAGTAGGACGAATGGCAATTGGTTCTGCCA[G>A]CTCGGTTTTGCCAGATCTTGTAACCCAAGCAACCTAGTAAGAAAAAATCATTTTTCATAC-3'
Protein context (NP_004437.2, residues 1102-1122): AWVTRSGKTE[Leu1112=]AEPIAIRPTS